The following is an entry in ClinVar:

NM_172107.4(KCNQ2):c.273G>A (p.Trp91Ter)

Gene: KCNQ2 (potassium voltage-gated channel subfamily Q member 2; minus strand). Cytogenetic location: 20q13.33.
Variant type: single nucleotide variant.
Coding change: c.273G>A on transcript NM_172107.4 (MANE Select); coding-DNA position 273, G replaced by A.
Protein change: p.Trp91Ter; replaces tryptophan 91 with a stop codon.
Molecular consequence: nonsense.
Genome position (GRCh38, 1-based): chr20:63,472,191, C>T on the plus strand (G>A on the coding strand, the complement: KCNQ2 is on the minus strand). VCF-style: chr20-63472191-C-T. GRCh37 (hg19) VCF-style: chr20-62103544-C-T.
Other names: c.273G>A, p.Trp91Ter (NM_001382235.1, NM_004518.6, NM_172106.3 and 2 more transcripts); short protein forms W91*.
Identifiers: ClinVar variation 953565 (VCV000953565.8), dbSNP rs2082233410, ClinGen allele CA409635023.
Genomic context (GRCh38, chr20:63,472,191, plus strand): 5'-CATGGGGGTCGCCACGGGGGCCCCGCCGGCCACTCACACGTAGGCGTGGTAGATGAACGC[C>T]CAGCCGCGCGGCCGCTCCAGCACGTTGTAGAGGAAATTCTGCAGCTTGCGGTAGAAGGCG-3'

ClinVar aggregate classification (germline): Pathogenic (1 of 4 stars; one submission).

Conditions:
Early-infantile DEE. Also called: Early infantile epileptic encephalopathy; Ohtahara syndrome; Early infantile epileptic encephalopathy with suppression bursts. Identifiers: Orphanet 1934, MedGen C0393706, MONDO:0800491.

Submission:

Labcorp Genetics (formerly Invitae), Labcorp
Classification: Pathogenic for Early-infantile DEE. Last evaluated: 2021-12-19. Review status: criteria provided, single submitter. Criteria: Invitae Variant Classification Sherloc (09022015). Collection method: clinical testing. Allele origin: germline.
Comment: This sequence change creates a premature translational stop signal (p.Trp91*) in the KCNQ2 gene. It is expected to result in an absent or disrupted protein product. Loss-of-function variants in KCNQ2 are known to be pathogenic (PMID: 14534157, 23692823, 27779742). This variant is not present in population databases (gnomAD no frequency). For these reasons, this variant has been classified as Pathogenic. ClinVar contains an entry for this variant (Variation ID: 953565). This variant has not been reported in the literature in individuals affected with KCNQ2-related conditions.

Literature cited by the submitters: PubMed 14534157; PubMed 23692823; PubMed 27779742.